The following is an entry in ClinVar:

NM_020987.5(ANK3):c.7648A>C (p.Ser2550Arg)

Gene: ANK3 (ankyrin 3; minus strand). Cytogenetic location: 10q21.2.
Variant type: single nucleotide variant.
Coding change: c.7648A>C on transcript NM_020987.5 (MANE Select); coding-DNA position 7648, A replaced by C.
Protein change: p.Ser2550Arg; replaces serine 2550 with arginine.
Molecular consequence: missense variant. On other transcripts: intron variant (4).
Genome position (GRCh38, 1-based): chr10:60,073,233, T>G on the plus strand (A>C on the coding strand, the complement: ANK3 is on the minus strand). VCF-style: chr10-60073233-T-G. GRCh37 (hg19) VCF-style: chr10-61832991-T-G.
Other names: c.4388-5224A>C (NM_001204403.2); c.4409-5224A>C (NM_001204404.2); c.4406-5224A>C (NM_001320874.2); c.1808-5224A>C (NM_001149.4); short protein forms S2550R.
Identifiers: ClinVar variation 2850754 (VCV002850754.3), dbSNP rs2492549670, ClinGen allele CA377009847.
Genomic context (GRCh38, chr10:60,073,233, plus strand): 5'-TCTCTCTACCTCTGTCTAATCTGTCCTCAGTAAAGCGCATCCACATGGCATGTTTTGGAC[T>G]ACTAACATTGCCAGAATAGTGCAACACTGTCACTTTATCAAAATGCTCATCTTTAGACAC-3'
Protein context (NP_066267.2, residues 2540-2560): TVLHYSGNVS[Ser2550Arg]PKHAMWMRFT

ClinVar aggregate classification (germline): Uncertain significance (1 of 4 stars; one submission).

Submission:

Labcorp Genetics (formerly Invitae), Labcorp
Classification: Uncertain significance. Last evaluated: 2023-10-03. Review status: criteria provided, single submitter. Criteria: Invitae Variant Classification Sherloc (09022015). Collection method: clinical testing. Allele origin: germline.
Comment: This sequence change replaces serine, which is neutral and polar, with arginine, which is basic and polar, at codon 2550 of the ANK3 protein (p.Ser2550Arg). This variant is not present in population databases (gnomAD no frequency). This variant has not been reported in the literature in individuals affected with ANK3-related conditions. Advanced modeling of protein sequence and biophysical properties (such as structural, functional, and spatial information, amino acid conservation, physicochemical variation, residue mobility, and thermodynamic stability) performed at Invitae indicates that this missense variant is not expected to disrupt ANK3 protein function. In summary, the available evidence is currently insufficient to determine the role of this variant in disease. Therefore, it has been classified as a Variant of Uncertain Significance.